The following is an entry in ClinVar:

NM_006282.5(STK4):c.1388G>A (p.Arg463Gln)

Gene: STK4 (serine/threonine kinase 4; plus strand). Cytogenetic location: 20q13.12.
Variant type: single nucleotide variant.
Coding change: c.1388G>A on transcript NM_006282.5 (MANE Select); coding-DNA position 1388, G replaced by A.
Protein change: p.Arg463Gln; replaces arginine 463 with glutamine.
Molecular consequence: missense variant. On other transcripts: 3 prime UTR variant (1).
Genome position (GRCh38, 1-based): chr20:45,075,100, G>A. VCF-style: chr20-45075100-G-A. GRCh37 (hg19) VCF-style: chr20-43703741-G-A.
Other names: c.*94G>A (NM_001352385.2); c.1388G>A (NM_006282.2); short protein forms R463Q.
Identifiers: ClinVar variation 1022878 (VCV001022878.7), dbSNP rs746946767, ClinGen allele CA9874081.

ClinVar aggregate classification (germline): Uncertain significance. Review status: criteria provided, multiple submitters, no conflicts (2 of 4 stars). 2 submissions from 2 submitters: Uncertain significance (2). Last evaluated 2025-05-14.

Conditions:
Combined immunodeficiency due to STK4 deficiency (IMD110). Also called: T-cell immunodeficiency, recurrent infections, and autoimmunity with or without cardiac malformations; STK4 DEFICIENCY; MST1 DEFICIENCY. Identifiers: Orphanet 314689, MedGen C3553943, MONDO:0013934, OMIM 614868.
Inborn genetic diseases. Identifiers: MedGen C0950123, MeSH D030342.

Allele frequency attached by ClinVar (database versions not stated): gnomAD 0.00001; ExAC 0.00004; TOPMed below 0.00001.
gnomAD v4.1: 29 of 1,614,066 alleles (0.0018%); highest among the groups gnomAD compares: Admixed American, 0.005%; no homozygotes.

Submissions (2):

Ambry Genetics
Classification: Uncertain significance for Inborn genetic diseases. Last evaluated: 2025-05-14. Review status: criteria provided, single submitter. Criteria: Ambry Variant Classification Scheme 2023. Collection method: clinical testing. Allele origin: germline.

Labcorp Genetics (formerly Invitae), Labcorp
Classification: Uncertain significance for Combined immunodeficiency due to STK4 deficiency. Last evaluated: 2022-05-21. Review status: criteria provided, single submitter. Criteria: Invitae Variant Classification Sherloc (09022015). Collection method: clinical testing. Allele origin: germline.
Comment: This sequence change replaces arginine, which is basic and polar, with glutamine, which is neutral and polar, at codon 463 of the STK4 protein (p.Arg463Gln). This variant is present in population databases (rs746946767, gnomAD 0.006%). This variant has not been reported in the literature in individuals affected with STK4-related conditions. ClinVar contains an entry for this variant (Variation ID: 1022878). Advanced modeling of protein sequence and biophysical properties (such as structural, functional, and spatial information, amino acid conservation, physicochemical variation, residue mobility, and thermodynamic stability) performed at Invitae indicates that this missense variant is not expected to disrupt STK4 protein function. In summary, the available evidence is currently insufficient to determine the role of this variant in disease. Therefore, it has been classified as a Variant of Uncertain Significance.